The following is an entry in ClinVar:

NC_000017.10:g.(?_7452471)_(7454315_?)dup

Genes: TNFSF12 (TNF superfamily member 12; plus strand), TNFSF12-TNFSF13 (TNFSF12-TNFSF13 readthrough; plus strand). Cytogenetic location: 17p13.1.
Variant type: Duplication.
Identifiers: ClinVar variation 1450828 (VCV001450828.6).

ClinVar aggregate classification (germline): Uncertain significance (1 of 4 stars; one submission).

Conditions:
Common variable immunodeficiency (CVID). Also called: Common variable hypogamma-globulinemia; Common variable agammaglobulinemia. Identifiers: Orphanet 1572, MedGen C0009447, MONDO:0015517.

Submission:

Labcorp Genetics (formerly Invitae), Labcorp
Classification: Uncertain significance for Common variable immunodeficiency. Last evaluated: 2022-07-14. Review status: criteria provided, single submitter. Criteria: Invitae Variant Classification Sherloc (09022015). Collection method: clinical testing. Allele origin: germline.
Comment: In summary, the available evidence is currently insufficient to determine the role of this variant in disease. Therefore, it has been classified as a Variant of Uncertain Significance. Experimental studies and prediction algorithms are not available or were not evaluated, and the functional significance of this variant is currently unknown. This variant has not been reported in the literature in individuals affected with TNFSF12-related conditions. This variant results in a copy number gain of the genomic region encompassing exon(s) 1-5 of the TNFSF12 gene. This region includes the initiator codon of the gene. This copy number gain extends beyond the assayed region for this gene and therefore may encompass additional genes. As the precise location of this event is unknown, it may be in tandem or it may be located elsewhere in the genome.